The following is an entry in ClinVar:

ClinVar aggregate classification (germline): Benign. Review status: criteria provided, single submitter (1 of 4 stars). 2 submissions from 2 submitters: Benign (1). 1 of the submissions does not count toward it. Last evaluated 2025-12-10.

Conditions:
NUP133-related disorder. Also called: NUP133-related condition.

Allele frequency attached by ClinVar (database versions not stated): ExAC 0.00020; gnomAD 0.00045; TOPMed 0.00057; 1000 Genomes Project 0.00060; 1000 Genomes Project 30x 0.00062; ESP Exome Variant Server 0.00062.
gnomAD v4.1: 134 of 1,589,886 alleles (0.0084%); highest among the groups gnomAD compares: African/African-American, 0.16%; no homozygotes.

Submissions (2):

Labcorp Genetics (formerly Invitae), Labcorp
Classification: Benign. Last evaluated: 2025-12-10. Review status: criteria provided, single submitter. Criteria: Invitae Variant Classification Sherloc (09022015). Collection method: clinical testing. Allele origin: germline.

PreventionGenetics, part of Exact Sciences
Classification: Likely benign for NUP133-related condition. Last evaluated: 2023-04-18. Review status: no assertion criteria provided. Collection method: clinical testing. Allele origin: germline. Not counted in ClinVar's aggregate classification.
Comment: This variant is classified as likely benign based on ACMG/AMP sequence variant interpretation guidelines (Richards et al. 2015 PMID: 25741868, with internal and published modifications).

NM_018230.3(NUP133):c.3384G>A (p.Ala1128=)

Gene: NUP133 (nucleoporin 133; minus strand). Cytogenetic location: 1q42.13.
Variant type: single nucleotide variant.
Coding change: c.3384G>A on transcript NM_018230.3 (MANE Select); coding-DNA position 3384, G replaced by A.
Protein change: p.Ala1128=; no amino-acid change (alanine 1128 retained).
Molecular consequence: synonymous variant.
Genome position (GRCh38, 1-based): chr1:229,441,991, C>T on the plus strand (G>A on the coding strand, the complement: NUP133 is on the minus strand). VCF-style: chr1-229441991-C-T. GRCh37 (hg19) VCF-style: chr1-229577738-C-T.
Other names: c.3384G>A (NM_018230.2).
Identifiers: ClinVar variation 2072071 (VCV002072071.6), dbSNP rs140085858, ClinGen allele CA1443005.